The following is an entry in ClinVar:

NM_170606.3(KMT2C):c.10265A>G (p.Gln3422Arg)

Gene: KMT2C (lysine methyltransferase 2C; minus strand). Cytogenetic location: 7q36.1.
Variant type: single nucleotide variant.
Coding change: c.10265A>G on transcript NM_170606.3 (MANE Select); coding-DNA position 10265, A replaced by G.
Protein change: p.Gln3422Arg; replaces glutamine 3422 with arginine.
Molecular consequence: missense variant.
Genome position (GRCh38, 1-based): chr7:152,163,312, T>C on the plus strand (A>G on the coding strand, the complement: KMT2C is on the minus strand). VCF-style: chr7-152163312-T-C. GRCh37 (hg19) VCF-style: chr7-151860397-T-C.
Other names: short protein forms Q3422R.
Identifiers: ClinVar variation 3361457 (VCV003361457.1).

ClinVar aggregate classification (germline): Uncertain significance (1 of 4 stars; one submission).

gnomAD v4.1: 1 of 1,614,216 alleles (0.000062%); highest among the groups gnomAD compares: Non-Finnish European, 0.000085%; no homozygotes.

Submission:

GeneDx
Classification: Uncertain significance. Last evaluated: 2023-07-24. Review status: criteria provided, single submitter. Criteria: GeneDx Variant Classification Process June 2021. Collection method: clinical testing. Allele origin: germline. Affected: yes.
Comment: Not observed at significant frequency in large population cohorts (gnomAD); In silico analysis supports that this missense variant has a deleterious effect on protein structure/function; Has not been previously published as pathogenic or benign to our knowledge